The following is an entry in ClinVar:

ClinVar aggregate classification (germline): Likely pathogenic (0 of 4 stars; one submission).

Conditions:
Leukoencephalopathy-thalamus and brainstem anomalies-high lactate syndrome. Also called: LEUKOENCEPHALOPATHY WITH THALAMUS AND BRAINSTEM INVOLVEMENT AND HIGH LACTATE; Combined oxidative phosphorylation deficiency 12. Identifiers: Orphanet 314051, MedGen C4706421, MONDO:0013971, OMIM 614924.

Allele frequency attached by ClinVar (database versions not stated): gnomAD exomes below 0.00001.
gnomAD v4.1: 1 of 1,576,404 alleles (0.000063%); highest among the groups gnomAD compares: Non-Finnish European, 0.000086%; no homozygotes.

Submission:

Clinical Genomics Laboratory, Stanford Medicine
Classification: Likely pathogenic for Leukoencephalopathy-thalamus and brainstem anomalies-high lactate syndrome. Last evaluated: 2020-11-27. Review status: no assertion criteria provided. Collection method: clinical testing. Allele origin: germline. Inheritance: Autosomal recessive inheritance. Affected: yes. Observed: 1 heterozygote.
Comment: The p.Ser316* variant in the EARS2 gene has not been previously reported in association with disease. This variant was absent from large population databases, including the Genome Aggregation Database. The p.Ser316* variant leads to a premature stop codon in exon 4 of 9 coding exons, and is therefore predicted to undergo nonsense-mediated decay resulting in a truncated or absent protein. These data were assessed using the ACMG/AMP variant interpretation guidelines. In summary, there is sufficient evidence to classify the p.Ser316* variant as likely pathogenic for leukoencephalopathy with thalamus and brainstem involvement and high lactate in an autosomal recessive manner based on the information above. [ACMG evidence codes used: PVS1; PM2]

NM_001083614.2(EARS2):c.947C>G (p.Ser316Ter)

Gene: EARS2 (glutamyl-tRNA synthetase 2, mitochondrial; minus strand). Cytogenetic location: 16p12.2.
Variant type: single nucleotide variant.
Coding change: c.947C>G on transcript NM_001083614.2 (MANE Select); coding-DNA position 947, C replaced by G.
Protein change: p.Ser316Ter; replaces serine 316 with a stop codon.
Molecular consequence: nonsense. On other transcripts: non-coding transcript variant (1).
Genome position (GRCh38, 1-based): chr16:23,534,899, G>C on the plus strand (C>G on the coding strand, the complement: EARS2 is on the minus strand). VCF-style: chr16-23534899-G-C. GRCh37 (hg19) VCF-style: chr16-23546220-G-C.
Other names: p.Ser316*; c.947C>G, p.Ser316Ter (NM_001308211.1, NM_133451.1); short protein forms S316*.
Identifiers: ClinVar variation 2627742 (VCV002627742.1), dbSNP rs2506863798, ClinGen allele CA395132379.